The following is an entry in ClinVar:

ClinVar aggregate classification (germline): Uncertain significance (1 of 4 stars; one submission).

Conditions:
Ulnar-mammary syndrome (UMS). Also called: SCHINZEL SYNDROME; Ulnar-mammary syndrome of Pallister; PALLISTER ULNAR-MAMMARY SYNDROME. Identifiers: Orphanet 3138, MedGen C1866994, MONDO:0008411, OMIM 181450.

Submission:

Labcorp Genetics (formerly Invitae), Labcorp
Classification: Uncertain significance for Ulnar-mammary syndrome. Last evaluated: 2025-08-05. Review status: criteria provided, single submitter. Criteria: Invitae Variant Classification Sherloc (09022015). Collection method: clinical testing. Allele origin: germline.
Comment: This sequence change replaces glutamic acid, which is acidic and polar, with glutamine, which is neutral and polar, at codon 73 of the TBX3 protein (p.Glu73Gln). This variant is not present in population databases (gnomAD no frequency). This variant has not been reported in the literature in individuals affected with TBX3-related conditions. An algorithm developed to predict the effect of missense changes on protein structure and function (PolyPhen-2) suggests that this variant is likely to be disruptive. In summary, the available evidence is currently insufficient to determine the role of this variant in disease. Therefore, it has been classified as a Variant of Uncertain Significance.

NM_005996.4(TBX3):c.217G>C (p.Glu73Gln)

Genes: TBX3-AS1 (TBX3 antisense RNA 1; plus strand), TBX3 (T-box transcription factor 3; minus strand). Cytogenetic location: 12q24.21.
Variant type: single nucleotide variant.
Coding change: c.217G>C on transcript NM_005996.4 (MANE Select); coding-DNA position 217, G replaced by C.
Protein change: p.Glu73Gln; replaces glutamic acid 73 with glutamine.
Molecular consequence: missense variant.
Genome position (GRCh38, 1-based): chr12:114,682,984, C>G on the plus strand (G>C on the coding strand, the complement: TBX3 is on the minus strand). VCF-style: chr12-114682984-C-G. GRCh37 (hg19) VCF-style: chr12-115120789-C-G.
Other names: c.217G>C, p.Glu73Gln (NM_016569.4); short protein forms E73Q.
Identifiers: ClinVar variation 4809307 (VCV004809307.1).